The following is an entry in ClinVar:

ClinVar aggregate classification (germline): Uncertain significance (1 of 4 stars; one submission).

gnomAD v4.1: 2 of 1,614,256 alleles (0.00012%); highest among the groups gnomAD compares: South Asian, 0.0022%; no homozygotes.

Submission:

Women's Health and Genetics/Laboratory Corporation of America, LabCorp
Classification: Uncertain significance. Last evaluated: 2026-03-10. Review status: criteria provided, single submitter. Criteria: LabCorp Variant Classification Summary - May 2015. Collection method: clinical testing. Allele origin: germline.
Comment: Variant summary: RNASEH2C c.349G>T (p.Asp117Tyr) results in a non-conservative amino acid change in the encoded protein sequence. Algorithms developed to predict the effect of missense changes on protein structure and function all suggest that this variant is likely to be disruptive. Several computational tools predict a significant impact on normal splicing: Two predict the variant abolishes a 3' acceptor site, one predicts the variant weakens a 3' acceptor site, and one predicts the variant has no significant impact on splicing. However, these predictions have yet to be confirmed by functional studies. The variant allele was found at a frequency of 8e-06 in 251436 control chromosomes. The available data on variant occurrences in the general population are insufficient to allow any conclusion about variant significance. To our knowledge, no occurrence of c.349G>T in individuals affected with RNASEH2C-related conditions and no experimental evidence demonstrating its impact on protein function have been reported. No submitters have cited clinical-significance assessments for this variant to ClinVar. Based on the evidence outlined above, the variant was classified as uncertain significance.

NM_032193.4(RNASEH2C):c.349G>T (p.Asp117Tyr)

Gene: RNASEH2C (ribonuclease H2 subunit C; minus strand). Cytogenetic location: 11q13.1.
Variant type: single nucleotide variant.
Coding change: c.349G>T on transcript NM_032193.4 (MANE Select); coding-DNA position 349, G replaced by T.
Protein change: p.Asp117Tyr; replaces aspartic acid 117 with tyrosine.
Molecular consequence: missense variant.
Genome position (GRCh38, 1-based): chr11:65,720,164, C>A on the plus strand (G>T on the coding strand, the complement: RNASEH2C is on the minus strand). VCF-style: chr11-65720164-C-A. GRCh37 (hg19) VCF-style: chr11-65487635-C-A.
Other names: short protein forms D117Y.
Identifiers: ClinVar variation 4847355 (VCV004847355.1).